The following is an entry in ClinVar:

NM_033087.4(ALG2):c.638dup (p.Pro213_Glu214insTer)

Gene: ALG2 (ALG2 alpha-1,3/1,6-mannosyltransferase; minus strand). Cytogenetic location: 9q22.33.
Variant type: Duplication.
Coding change: c.638dup on transcript NM_033087.4 (MANE Select); coding-DNA position 638, one base duplicated (C; older notation c.638dupC).
Protein change: p.Pro213_Glu214insTer.
Molecular consequence: frameshift variant. On other transcripts: non-coding transcript variant (1).
Genome position (GRCh38, 1-based): chr9:99,218,547, G duplicated on the plus strand (C on the coding strand, the reverse complement: ALG2 is on the minus strand); the first of 2 consecutive G bases (chr9:99,218,547-99,218,548); duplicating either gives the same sequence. VCF-style (leftmost placement, unchanged base first): chr9-99218546-A-AG. GRCh37 (hg19) VCF-style: chr9-101980828-A-AG.
Identifiers: ClinVar variation 1388780 (VCV001388780.8), dbSNP rs745635377, ClinGen allele CA5156279.

ClinVar aggregate classification (germline): Uncertain significance (1 of 4 stars; one submission).

Conditions:
Congenital disorder of glycosylation, type Ii. Also called: ALG2-congenital disorder of glycosylation; ALG2-CDG; CDG Ii. Identifiers: Orphanet 79326, MedGen C1842836, MONDO:0011933, OMIM 607906.
Congenital myasthenic syndrome 14. Also called: Myasthenic syndrome, congenital, 14, with tubular aggregates. Identifiers: Orphanet 353327, Orphanet 590, MedGen C4015597, MONDO:0014543, OMIM 616228.

Submission:

Labcorp Genetics (formerly Invitae), Labcorp
Classification: Uncertain significance for Congenital disorder of glycosylation, type Ii; Congenital myasthenic syndrome 14. Last evaluated: 2021-05-19. Review status: criteria provided, single submitter. Criteria: Invitae Variant Classification Sherloc (09022015). Collection method: clinical testing. Allele origin: germline.
Comment: In summary, the available evidence is currently insufficient to determine the role of this variant in disease. Therefore, it has been classified as a Variant of Uncertain Significance. This variant has not been reported in the literature in individuals with ALG2-related conditions. The frequency data for this variant in the population databases is considered unreliable, as metrics indicate poor data quality at this position in the ExAC database. This sequence change creates a premature translational stop signal (p.Glu214*) in the ALG2 gene. While this is not anticipated to result in nonsense mediated decay, it is expected to disrupt the last 203 amino acid(s) of the ALG2 protein.